The following is an entry in ClinVar:

ClinVar aggregate classification (germline): Conflicting classifications of pathogenicity. Review status: criteria provided, conflicting classifications (1 of 4 stars). 4 submissions from 4 submitters: Uncertain significance (1); Likely benign (2). 1 of the submissions does not count toward it. Last evaluated 2026-01-21.

Conditions:
ATR-related disorder. Also called: ATR-related condition.
Seckel syndrome 1 (SCKL1). Also called: MICROCEPHALIC PRIMORDIAL DWARFISM I. Identifiers: Orphanet 808, MedGen C4551474, MONDO:0008869, OMIM 210600.

Allele frequency attached by ClinVar (database versions not stated): 1000 Genomes Project 0.00020; 1000 Genomes Project 30x 0.00031; ESP Exome Variant Server 0.00062; gnomAD 0.00067; gnomAD exomes 0.00072 and 0.00096; TOPMed 0.00072; ExAC 0.00088.
gnomAD v4.1: 1,445 of 1,577,812 alleles (0.092%); highest among the groups gnomAD compares: Non-Finnish European, 0.11%; 2 homozygotes.

Submissions (8):

Labcorp Genetics (formerly Invitae), Labcorp
Classification: Likely benign. Last evaluated: 2026-01-21. Review status: criteria provided, single submitter. Criteria: Invitae Variant Classification Sherloc (09022015). Collection method: clinical testing. Allele origin: germline.

Blueprint Genetics
Classification: Likely benign. Last evaluated: 2024-11-23. Review status: criteria provided, single submitter. Criteria: ACMG Guidelines, 2015. Collection method: clinical testing. Allele origin: germline.

Illumina Laboratory Services, Illumina
Classification: Uncertain significance for Seckel syndrome 1. Last evaluated: 2018-01-13. Review status: criteria provided, single submitter. Criteria: ICSL Variant Classification Criteria 13 December 2019. Collection method: clinical testing. Allele origin: germline.

PreventionGenetics, part of Exact Sciences
Classification: Likely benign for ATR-related condition. Last evaluated: 2021-08-06. Review status: no assertion criteria provided. Collection method: clinical testing. Allele origin: germline. Not counted in ClinVar's aggregate classification.
Comment: This variant is classified as likely benign based on ACMG/AMP sequence variant interpretation guidelines (Richards et al. 2015 PMID: 25741868, with internal and published modifications).

Dr. Peter K. Rogan Lab, Western University
No classification provided (evidence only). Condition: Sarcoma. Review status: no classification provided. Collection method: in vitro. Allele origin: not applicable. Functional consequence: retained intron. Not counted in ClinVar's aggregate classification.

Dr. Peter K. Rogan Lab, Western University
No classification provided (evidence only). Condition: Ovarian serous cystadenocarcinoma. Review status: no classification provided. Collection method: in vitro. Allele origin: not applicable. Functional consequence: retained intron. Not counted in ClinVar's aggregate classification.

Dr. Peter K. Rogan Lab, Western University
No classification provided (evidence only). Condition: Malignant tumor of esophagus. Review status: no classification provided. Collection method: in vitro. Allele origin: not applicable. Functional consequence: retained intron. Not counted in ClinVar's aggregate classification.

Dr. Peter K. Rogan Lab, Western University
No classification provided (evidence only). Condition: Chronic lymphocytic leukemia/small lymphocytic lymphoma. Review status: no classification provided. Collection method: in vitro. Allele origin: not applicable. Functional consequence: retained intron. Not counted in ClinVar's aggregate classification.

NM_001184.4(ATR):c.4153-15T>G

Gene: ATR (ATR checkpoint kinase; minus strand). Cytogenetic location: 3q23.
Variant type: single nucleotide variant.
Coding change: c.4153-15T>G on transcript NM_001184.4 (MANE Select); 15 bases into the intron before coding-DNA position 4153, T replaced by G.
Molecular consequence: intron variant.
Genome position (GRCh38, 1-based): chr3:142,522,856, A>C on the plus strand (T>G on the coding strand, the complement: ATR is on the minus strand). VCF-style: chr3-142522856-A-C. GRCh37 (hg19) VCF-style: chr3-142241698-A-C.
Other names: c.3961-15T>G (NM_001354579.2).
Identifiers: ClinVar variation 899947 (VCV000899947.15), dbSNP rs375938610, ClinGen allele CA2649919.
Genomic context (GRCh38, chr3:142,522,856, plus strand): 5'-GCTCCATCAATAATCCATAGGCAAAGCTTGAATCTTCTACTCCAGTCTCAATCAGAAAAA[A>C]AAAAAAGAAAATTCCAGGATAACTGCTATAAATTTTCTTAGGTGTACTGCTTTTTCCATG-3'